The following is an entry in ClinVar:

NM_001220.5(CAMK2B):c.65+5G>A

Gene: CAMK2B (calcium/calmodulin dependent protein kinase II beta; minus strand). Cytogenetic location: 7p13.
Variant type: single nucleotide variant.
Coding change: c.65+5G>A on transcript NM_001220.5 (MANE Select); 5 bases into the intron after coding-DNA position 65, G replaced by A.
Molecular consequence: intron variant.
Genome position (GRCh38, 1-based): chr7:44,325,352, C>T on the plus strand (G>A on the coding strand, the complement: CAMK2B is on the minus strand). VCF-style: chr7-44325352-C-T. GRCh37 (hg19) VCF-style: chr7-44364951-C-T.
Other names: c.65+5G>A (NM_172084.3, NM_172080.3, NM_172083.3 and 5 more transcripts).
Identifiers: ClinVar variation 3381683 (VCV003381683.1).

ClinVar aggregate classification (germline): Uncertain significance (1 of 4 stars; one submission).

Submission:

GeneDx
Classification: Uncertain significance. Last evaluated: 2024-05-20. Review status: criteria provided, single submitter. Criteria: GeneDx Variant Classification Process June 2021. Collection method: clinical testing. Allele origin: germline. Affected: yes.
Comment: Not observed at significant frequency in large population cohorts (gnomAD); In silico analysis supports a deleterious effect on splicing; Has not been previously published as pathogenic or benign to our knowledge